The following is an entry in ClinVar:

ClinVar aggregate classification (germline): Uncertain significance (1 of 4 stars; one submission).

Conditions:
Telangiectasia, hereditary hemorrhagic, type 5 (HHT5). Identifiers: Orphanet 774, MedGen C3809710, MONDO:0014217, OMIM 615506.

Allele frequency attached by ClinVar (database versions not stated): TOPMed below 0.00001; gnomAD 0.00001; gnomAD exomes 0.00002; ExAC 0.00004.

Submission:

Labcorp Genetics (formerly Invitae), Labcorp
Classification: Uncertain significance for Telangiectasia, hereditary hemorrhagic, type 5. Last evaluated: 2025-02-04. Review status: criteria provided, single submitter. Criteria: Invitae Variant Classification Sherloc (09022015). Collection method: clinical testing. Allele origin: germline.
Comment: This sequence change replaces glutamic acid, which is acidic and polar, with lysine, which is basic and polar, at codon 419 of the GDF2 protein (p.Glu419Lys). This variant is present in population databases (rs782137039, gnomAD 0.01%). This variant has not been reported in the literature in individuals affected with GDF2-related conditions. ClinVar contains an entry for this variant (Variation ID: 651637). An algorithm developed to predict the effect of missense changes on protein structure and function (PolyPhen-2) suggests that this variant is likely to be disruptive. In summary, the available evidence is currently insufficient to determine the role of this variant in disease. Therefore, it has been classified as a Variant of Uncertain Significance.

NM_016204.4(GDF2):c.1255G>A (p.Glu419Lys)

Gene: GDF2 (growth differentiation factor 2; plus strand). Cytogenetic location: 10q11.22.
Variant type: single nucleotide variant.
Coding change: c.1255G>A on transcript NM_016204.4 (MANE Select); coding-DNA position 1255, G replaced by A.
Protein change: p.Glu419Lys; replaces glutamic acid 419 with lysine.
Molecular consequence: missense variant.
Genome position (GRCh38, 1-based): chr10:47,325,749, G>A. VCF-style: chr10-47325749-G-A. GRCh37 (hg19) VCF-style: chr10-48413613-C-T.
Other names: short protein forms E419K.
Identifiers: ClinVar variation 651637 (VCV000651637.7), dbSNP rs782137039, ClinGen allele CA5487917.
Genomic context (GRCh38, chr10:47,325,749, plus strand): 5'-AGCCCCATCTCCGTCCTCTACAAGGATGACATGGGGGTGCCCACCCTCAAGTACCATTAC[G>A]AGGGCATGAGCGTGGCAGAGTGTGGGTGCAGGTAGTATCTGCCTGCGGGGCTGGGGAGGC-3'
Protein context (NP_057288.1, residues 409-429): MGVPTLKYHY[Glu419Lys]GMSVAECGCR